The following is an entry in ClinVar:

ClinVar aggregate classification (germline): Likely pathogenic (0 of 4 stars; one submission).

Conditions:
Angelman syndrome (AS). Also called: HAPPY PUPPET SYNDROME. Identifiers: Orphanet 72, MedGen C0162635, MONDO:0007113, OMIM 105830. Disease mechanism: loss of function. Inheritance: AS is caused by disruption of maternally imprinted UBE3A located within the 15q11.2-q13 Angelman syndrome/Prader-Willi syndrome (AS/PWS) region., imprinting disorder.

Submission:

Baylor Genetics
Classification: Likely pathogenic for Angelman Syndrome. Last evaluated: 2014-02-14. Review status: no assertion criteria provided. Collection method: clinical testing. Allele origin: maternal. Affected: yes. Observed: 1 variant allele. Study: UBE3A Mutation Study.
Comment: Data collected from clinical UBE3A sequence analysis results

Literature cited by the submitters: PubMed 25212744.

NM_130839.5(UBE3A):c.770T>A (p.Leu257His)

Genes: SNHG14 (small nucleolar RNA host gene 14; plus strand), UBE3A (ubiquitin protein ligase E3A; minus strand). Cytogenetic location: 15q11.2.
Variant type: single nucleotide variant.
Coding change: c.770T>A on transcript NM_130839.5 (MANE Select); coding-DNA position 770, T replaced by A.
Protein change: p.Leu257His; replaces leucine 257 with histidine.
Molecular consequence: missense variant. On other transcripts: non-coding transcript variant (1), intron variant (2).
Genome position (GRCh38, 1-based): chr15:25,371,404, A>T on the plus strand (T>A on the coding strand, the complement: UBE3A is on the minus strand). VCF-style: chr15-25371404-A-T. GRCh37 (hg19) VCF-style: chr15-25616551-A-T.
Other names: c.779T>A, p.Leu260His (NM_000462.5); c.770T>A, p.Leu257His (NM_001354505.1, NM_001354538.2, NM_001354545.2); c.710T>A, p.Leu237His (NM_001354506.2, NM_001354507.2, NM_001354508.2 and 17 more transcripts); c.593T>A, p.Leu198His (NM_001354546.2); c.301+4061T>A (NM_001354551.2); c.361+4061T>A (NM_001354550.2); short protein forms L237H, L257H, L198H, L260H.
Identifiers: ClinVar variation 155995 (VCV000155995.1), dbSNP rs587780582, ClinGen allele CA333393.